The following is an entry in ClinVar:

ClinVar aggregate classification (germline): Likely pathogenic. Review status: criteria provided, multiple submitters, no conflicts (2 of 4 stars). 2 submissions from 2 submitters: Likely pathogenic (2). Last evaluated 2026-02-26.

Conditions:
Hereditary cancer-predisposing syndrome. Also called: Tumor predisposition; Hereditary Cancer Syndrome; Hereditary neoplastic syndrome; Neoplastic Syndromes, Hereditary. Identifiers: Orphanet 140162, MedGen C0027672, MeSH D009386, MONDO:0015356.
Inherited breast cancer and ovarian cancer.

Submissions (3):

NHS Central & South Genomic Laboratory Hub
Classification: Likely pathogenic for Inherited breast cancer and ovarian cancer. Last evaluated: 2026-02-26. Review status: criteria provided, single submitter. Criteria: ACMG Guidelines, 2015. Collection method: clinical testing. Allele origin: germline. Affected: yes.

Ambry Genetics
Classification: Likely pathogenic for Hereditary cancer-predisposing syndrome. Last evaluated: 2025-05-25. Review status: criteria provided, single submitter. Criteria: Ambry Variant Classification Scheme 2023. Collection method: clinical testing. Allele origin: germline.
Comment: The p.C27W variant (also known as c.81T>G) is located in coding exon 2 of the BRCA1 gene. The cysteine at codon 27 is replaced by tryptophan, an amino acid with highly dissimilar properties. This change occurs in the first base pair of coding exon 2. One functional study found that this nucleotide substitution is non-functional in a high throughput genome editing haploid cell survival assay (Findlay GM et al. Nature, 2018 Oct;562:217-222). This variant is considered to be rare based on population cohorts in the Genome Aggregation Database (gnomAD). This amino acid position is highly conserved in available vertebrate species. In addition, this alteration is predicted to be deleterious by in silico analysis. Based on the majority of available evidence to date, this variant is likely to be pathogenic.

Brotman Baty Institute, University of Washington
No classification provided (evidence only). Condition: Breast-ovarian cancer, familial 1. Review status: no classification provided. Collection method: in vitro. Allele origin: not applicable. Functional consequence: functionally_abnormal. Not counted in ClinVar's aggregate classification.
ClinVar note: "not provided" was previously submitted as the classification for the variant. However, the classification appeared to be based only on an observation of functional data so it was converted to no classification on 2025-07-30.

Literature cited by the submitters: PubMed 30209399 (cited by Ambry Genetics).

NM_007294.4(BRCA1):c.81T>G (p.Cys27Trp)

Gene: BRCA1 (BRCA1 DNA repair associated; minus strand). Cytogenetic location: 17q21.31.
Variant type: single nucleotide variant.
Coding change: c.81T>G on transcript NM_007294.4 (MANE Select); coding-DNA position 81, T replaced by G.
Protein change: p.Cys27Trp; replaces cysteine 27 with tryptophan.
Molecular consequence: missense variant. On other transcripts: non-coding transcript variant (1), intron variant (1).
Genome position (GRCh38, 1-based): chr17:43,115,779, A>C on the plus strand (T>G on the coding strand, the complement: BRCA1 is on the minus strand). VCF-style: chr17-43115779-A-C. GRCh37 (hg19) VCF-style: chr17-41267796-A-C.
Other names: c.-108T>G (NM_001408478.1, NM_001408479.1, NM_001408480.1 and 52 more transcripts); c.-224T>G (NM_001408492.1, NM_001407889.1, NM_001407900.1); c.81T>G, p.Cys27Trp (NM_001408494.1, NM_001408495.1, NM_007298.4 and 192 more transcripts); c.-61T>G (NM_001408497.1, NM_001408499.1, NM_001408500.1 and 47 more transcripts); c.-177T>G (NM_001408501.1, NM_001407694.1, NM_001407696.1 and 13 more transcripts); c.-223T>G (NM_001408510.1, NM_001408512.1, NM_001407960.1 and 1 more transcripts); c.-8+8238T>G (NM_007297.4); c.-181T>G (NM_001407695.1, NM_001408465.1); and 2 more; short protein forms C27W.
Identifiers: ClinVar variation 867463 (VCV000867463.5), dbSNP rs587780805, ClinGen allele CA10601990.